The following is an entry in ClinVar:

NM_001128148.3(TFRC):c.1198+18C>G

Gene: TFRC (transferrin receptor; minus strand). Cytogenetic location: 3q29.
Variant type: single nucleotide variant.
Coding change: c.1198+18C>G on transcript NM_001128148.3 (MANE Select); 18 bases into the intron after coding-DNA position 1198, C replaced by G.
Molecular consequence: intron variant.
Genome position (GRCh38, 1-based): chr3:196,065,425, G>C on the plus strand (C>G on the coding strand, the complement: TFRC is on the minus strand). VCF-style: chr3-196065425-G-C. GRCh37 (hg19) VCF-style: chr3-195792296-G-C.
Other names: c.352+18C>G (NM_001313966.2); c.955+18C>G (NM_001313965.2); c.1198+18C>G (NM_003234.4).
Identifiers: ClinVar variation 1145626 (VCV001145626.8), dbSNP rs773185854, ClinGen allele CA2778027.

ClinVar aggregate classification (germline): Benign/Likely benign. Review status: criteria provided, multiple submitters, no conflicts (2 of 4 stars). 2 submissions from 2 submitters: Benign (1); Likely benign (1). Last evaluated 2026-02-13.

gnomAD v4.1: 476 of 702,256 alleles (0.068%); highest among the groups gnomAD compares: African/African-American, 0.65%; 33 homozygotes.

Submissions (2):

Women's Health and Genetics/Laboratory Corporation of America, LabCorp
Classification: Benign. Last evaluated: 2026-02-13. Review status: criteria provided, single submitter. Criteria: LabCorp Variant Classification Summary - May 2015. Collection method: clinical testing. Allele origin: germline.
Comment: Variant summary: TFRC c.1198+18C>G alters a nucleotide located at a position not widely known to affect splicing. Consensus agreement among computation tools predict no significant impact on normal splicing. However, these predictions have yet to be confirmed by functional studies. The variant allele was found at a frequency of 0.00068 in 702256 control chromosomes, predominantly at a frequency of 0.0065 within the African or African-American subpopulation in the gnomAD database, including 19 homozygotes. The observed variant frequency within African or African-American control individuals in the gnomAD database exceeds the estimated maximal expected allele frequency for disease-causing variants in TFRC. To our knowledge, no occurrence of c.1198+18C>G in individuals affected with TFRC-related conditions and no experimental evidence demonstrating its impact on protein function have been reported. ClinVar contains an entry for this variant (Variation ID: 1145626). Based on the evidence outlined above, the variant was classified as benign.

Labcorp Genetics (formerly Invitae), Labcorp
Classification: Likely benign. Last evaluated: 2026-01-25. Review status: criteria provided, single submitter. Criteria: Invitae Variant Classification Sherloc (09022015). Collection method: clinical testing. Allele origin: germline.